The following is an entry in ClinVar:

ClinVar aggregate classification (germline): Conflicting classifications of pathogenicity. Review status: criteria provided, conflicting classifications (1 of 4 stars). 5 submissions from 5 submitters: Uncertain significance (3); Likely benign (2). Last evaluated 2025-12-24.

Conditions:
NF1-related disorder. Also called: NF1-related condition. Identifiers: MedGen CN379171.
Hereditary cancer-predisposing syndrome. Also called: Neoplastic Syndromes, Hereditary; Tumor predisposition; Hereditary Cancer Syndrome; Hereditary neoplastic syndrome. Identifiers: Orphanet 140162, MedGen C0027672, MeSH D009386, MONDO:0015356.
Neurofibromatosis, type 1 (NF1). Also called: NEUROFIBROMATOSIS, TYPE I, SOMATIC; Peripheral type neurofibromatosis; Neurofibromatosis, type I; VON RECKLINGHAUSEN DISEASE. Identifiers: Orphanet 636, MedGen C0027831, MONDO:0018975, OMIM 162200. Disease mechanism: loss of function.

Allele frequency attached by ClinVar (database versions not stated): gnomAD exomes below 0.00001 and 0.00002; TOPMed below 0.00001.
gnomAD v4.1: 34 of 1,613,768 alleles (0.0021%); highest among the groups gnomAD compares: Non-Finnish European, 0.0029%; no homozygotes.

Submissions (5):

Labcorp Genetics (formerly Invitae), Labcorp
Classification: Likely benign for Neurofibromatosis, type 1. Last evaluated: 2025-12-24. Review status: criteria provided, single submitter. Criteria: Invitae Variant Classification Sherloc (09022015). Collection method: clinical testing. Allele origin: germline.

PreventionGenetics, part of Exact Sciences
Classification: Uncertain significance for NF1-related condition. Last evaluated: 2025-07-16. Review status: criteria provided, single submitter. Criteria: ACMG Guidelines, 2015. Collection method: clinical testing. Allele origin: germline.
Comment: The NF1 c.2250A>G variant is not predicted to result in an amino acid change (p.=). This variant occurs two nucleotides upstream from the end of exon 18 and is predicted to impact splicing based on a splicing prediction program (SpliceAI, Jaganathan K, et al. 2019. PubMed ID: 30661751). To our knowledge, this variant has not been reported in the literature. This variant is reported in 0.00088% of alleles in individuals of European (Non-Finnish) descent in gnomAD v2. However, in gnomAD v4 (available only on GRCh38), this variant is reported in 34 alleles in the European (non-Finnish) subpopulation. This population data is likely not consistent with this variant being a primary cause of disease. In ClinVar this variant has conflicting classifications ranging from uncertain to likely benign (ID: 231266). At this time, the clinical significance of this variant is uncertain due to the absence of conclusive functional and genetic evidence.

GeneDx
Classification: Uncertain significance. Last evaluated: 2023-03-29. Review status: criteria provided, single submitter. Criteria: GeneDx Variant Classification Process June 2021. Collection method: clinical testing. Allele origin: germline. Affected: yes.
Comment: Has not been previously published as pathogenic or benign to our knowledge; In silico analysis suggests this variant may impact gene splicing. In the absence of RNA/functional studies, the actual effect of this sequence change is unknown.

Genome Diagnostics Laboratory, The Hospital for Sick Children
Classification: Uncertain significance for Neurofibromatosis, type 1. Last evaluated: 2020-10-26. Review status: criteria provided, single submitter. Criteria: ACMG Guidelines, 2015. Collection method: clinical testing. Allele origin: germline. Affected: yes.

Ambry Genetics
Classification: Likely benign for Hereditary cancer-predisposing syndrome. Last evaluated: 2015-04-14. Review status: criteria provided, single submitter. Criteria: Ambry Autosomal Dominant and X-Linked criteria (10/2015). Collection method: clinical testing. Allele origin: germline. Observed: 1 variant allele.

NM_001042492.3(NF1):c.2250A>G (p.Thr750=)

Gene: NF1 (neurofibromin 1; plus strand). Cytogenetic location: 17q11.2.
Variant type: single nucleotide variant.
Coding change: c.2250A>G on transcript NM_001042492.3 (MANE Select); coding-DNA position 2250, A replaced by G.
Protein change: p.Thr750=; no amino-acid change (threonine 750 retained).
Molecular consequence: synonymous variant.
Genome position (GRCh38, 1-based): chr17:31,226,683, A>G. VCF-style: chr17-31226683-A-G. GRCh37 (hg19) VCF-style: chr17-29553701-A-G.
Other names: c.2250A>G, p.Thr750= (NM_000267.4).
Identifiers: ClinVar variation 231266 (VCV000231266.19), dbSNP rs876659061, ClinGen allele CA10580246.